The following is an entry in ClinVar:

NM_000492.4(CFTR):c.443T>G (p.Ile148Ser)

Gene: CFTR (CF transmembrane conductance regulator; plus strand). Cytogenetic location: 7q31.2.
Variant type: single nucleotide variant.
Coding change: c.443T>G on transcript NM_000492.4 (MANE Select); coding-DNA position 443, T replaced by G.
Protein change: p.Ile148Ser; replaces isoleucine 148 with serine.
Molecular consequence: missense variant.
Genome position (GRCh38, 1-based): chr7:117,531,068, T>G. VCF-style: chr7-117531068-T-G. GRCh37 (hg19) VCF-style: chr7-117171122-T-G.
Other names: short protein forms I148S.
Identifiers: ClinVar variation 1740622 (VCV001740622.2), dbSNP rs35516286, ClinGen allele CA368974902.

ClinVar aggregate classification (germline): Uncertain significance (1 of 4 stars; one submission).

Conditions:
Cystic fibrosis (CF). Also called: MUCOVISCIDOSIS. Identifiers: Orphanet 586, MedGen C0010674, MONDO:0009061, OMIM 219700. Disease mechanism: loss of function.

gnomAD v4.1: 2 of 1,613,712 alleles (0.00012%); highest among the groups gnomAD compares: Non-Finnish European, 0.000085%; no homozygotes.

Submission:

Ambry Genetics
Classification: Uncertain significance for Cystic fibrosis. Last evaluated: 2020-06-26. Review status: criteria provided, single submitter. Criteria: Ambry Variant Classification Scheme 2023. Collection method: clinical testing. Allele origin: germline.
Comment: The p.I148S variant (also known as c.443T>G), located in coding exon 4 of the CFTR gene, results from a T to G substitution at nucleotide position 443. The isoleucine at codon 148 is replaced by serine, an amino acid with dissimilar properties. This amino acid position is not well conserved in available vertebrate species. In addition, this alteration is predicted to be deleterious by in silico analysis. Since supporting evidence is limited at this time, the clinical significance of this alteration remains unclear.